The following is an entry in ClinVar:

ClinVar aggregate classification (germline): Uncertain significance (1 of 4 stars; one submission).

Submission:

GeneDx
Classification: Uncertain significance. Last evaluated: 2025-06-03. Review status: criteria provided, single submitter. Criteria: GeneDx Variant Classification Process June 2021. Collection method: clinical testing. Allele origin: germline. Affected: yes.
Comment: Not observed at significant frequency in large population cohorts (gnomAD); In silico analysis supports that this missense variant has a deleterious effect on protein structure/function; Has not been previously published as pathogenic or benign to our knowledge

NM_003392.7(WNT5A):c.674C>G (p.Ala225Gly)

Gene: WNT5A (Wnt family member 5A; minus strand). Cytogenetic location: 3p14.3.
Variant type: single nucleotide variant.
Coding change: c.674C>G on transcript NM_003392.7 (MANE Select); coding-DNA position 674, C replaced by G.
Protein change: p.Ala225Gly; replaces alanine 225 with glycine.
Molecular consequence: missense variant.
Genome position (GRCh38, 1-based): chr3:55,474,347, G>C on the plus strand (C>G on the coding strand, the complement: WNT5A is on the minus strand). VCF-style: chr3-55474347-G-C. GRCh37 (hg19) VCF-style: chr3-55508375-G-C.
Other names: c.629C>G, p.Ala210Gly (NM_001256105.1, NM_001377271.1, NM_001377272.1); short protein forms A210G, A225G.
Identifiers: ClinVar variation 4536518 (VCV004536518.1).